The following is an entry in ClinVar:

NM_005902.4(SMAD3):c.359T>A (p.Val120Asp)

Gene: SMAD3 (SMAD family member 3; plus strand). Cytogenetic location: 15q22.33.
Variant type: single nucleotide variant.
Coding change: c.359T>A on transcript NM_005902.4 (MANE Select); coding-DNA position 359, T replaced by A.
Protein change: p.Val120Asp; replaces valine 120 with aspartic acid.
Molecular consequence: missense variant.
Genome position (GRCh38, 1-based): chr15:67,165,047, T>A. VCF-style: chr15-67165047-T-A. GRCh37 (hg19) VCF-style: chr15-67457385-T-A.
Other names: c.44T>A, p.Val15Asp (NM_001145102.2); c.227T>A, p.Val76Asp (NM_001145103.2); short protein forms V120D, V15D, V76D.
Identifiers: ClinVar variation 1306949 (VCV001306949.2), dbSNP rs1962540440, ClinGen allele CA392954124.

ClinVar aggregate classification (germline): Uncertain significance (1 of 4 stars; one submission).

Submission:

GeneDx
Classification: Uncertain significance. Last evaluated: 2019-11-14. Review status: criteria provided, single submitter. Criteria: GeneDx Variant Classification Process June 2021. Collection method: clinical testing. Allele origin: germline. Affected: yes.
Comment: Has not been previously published as pathogenic or benign to our knowledge; Not observed in large population cohorts (Lek et al., 2016); In silico analysis, which includes protein predictors and evolutionary conservation, supports a deleterious effect